The following is an entry in ClinVar:

NM_145868.2(ANXA11):c.399G>T (p.Met133Ile)

Gene: ANXA11 (annexin A11; minus strand). Cytogenetic location: 10q22.3.
Variant type: single nucleotide variant.
Coding change: c.399G>T on transcript NM_145868.2 (MANE Select); coding-DNA position 399, G replaced by T.
Protein change: p.Met133Ile; replaces methionine 133 with isoleucine.
Molecular consequence: missense variant.
Genome position (GRCh38, 1-based): chr10:80,169,131, C>A on the plus strand (G>T on the coding strand, the complement: ANXA11 is on the minus strand). VCF-style: chr10-80169131-C-A. GRCh37 (hg19) VCF-style: chr10-81928887-C-A.
Other names: c.399G>T, p.Met133Ile (NM_001157.3, NM_001278407.2, NM_001278408.2 and 1 more transcripts); c.300G>T, p.Met100Ile (NM_001278409.2); c.399G>T (NM_001157.2); short protein forms M100I, M133I.
Identifiers: ClinVar variation 1426149 (VCV001426149.7), dbSNP rs111372395, ClinGen allele CA5576291.

ClinVar aggregate classification (germline): Uncertain significance. Review status: criteria provided, multiple submitters, no conflicts (2 of 4 stars). 2 submissions from 2 submitters: Uncertain significance (2). Last evaluated 2024-04-23.

Conditions:
Inborn genetic diseases. Identifiers: MedGen C0950123, MeSH D030342.

Allele frequency attached by ClinVar (database versions not stated): ExAC 0.00003; gnomAD exomes 0.00004; ESP Exome Variant Server 0.00016; TOPMed 0.00017; gnomAD 0.00020 and 0.00022.

Submissions (2):

Ambry Genetics
Classification: Uncertain significance for Inborn genetic diseases. Last evaluated: 2024-04-23. Review status: criteria provided, single submitter. Criteria: Ambry Variant Classification Scheme 2023. Collection method: clinical testing. Allele origin: germline.

Labcorp Genetics (formerly Invitae), Labcorp
Classification: Uncertain significance. Last evaluated: 2024-04-15. Review status: criteria provided, single submitter. Criteria: Invitae Variant Classification Sherloc (09022015). Collection method: clinical testing. Allele origin: germline.
Comment: This sequence change replaces methionine, which is neutral and non-polar, with isoleucine, which is neutral and non-polar, at codon 133 of the ANXA11 protein (p.Met133Ile). This variant is present in population databases (rs111372395, gnomAD 0.06%), and has an allele count higher than expected for a pathogenic variant. This variant has not been reported in the literature in individuals affected with ANXA11-related conditions. ClinVar contains an entry for this variant (Variation ID: 1426149). Experimental studies and prediction algorithms are not available or were not evaluated, and the functional significance of this variant is currently unknown. In summary, the available evidence is currently insufficient to determine the role of this variant in disease. Therefore, it has been classified as a Variant of Uncertain Significance.